The following is an entry in ClinVar:

NM_014491.4(FOXP2):c.483ACAACAGCAGCA[1] (p.Gln188_Gln191del)

Gene: FOXP2 (forkhead box P2; plus strand). Cytogenetic location: 7q31.1.
Variant type: Microsatellite.
Coding change: c.483ACAACAGCAGCA[1] on transcript NM_014491.4 (MANE Select); one copy of the 12-base unit ACAACAGCAGCA starting at c.483; the reference has two copies in a row; one copy, 12 bases deleted.
Protein change: p.Gln188_Gln191del.
Molecular consequence: inframe deletion. On other transcripts: non-coding transcript variant (2).
Genome position (GRCh38, 1-based): chr7:114,629,903-114,629,914, ACAACAGCAGCA deleted; deleting any 12 consecutive bases within chr7:114,629,883-114,629,914 gives the same sequence; the position shown is the placement nearest the transcript's 3' end. VCF-style (leftmost placement, unchanged base first): chr7-114629882-GCAGCAGCAACAA-G. GRCh37 (hg19) VCF-style: chr7-114269937-GCAGCAGCAACAA-G.
Other names: c.483ACAACAGCAGCA[1], p.Gln188_Gln191del (NM_001172766.3, NM_148899.3); c.558ACAACAGCAGCA[1], p.Gln213_Gln216del (NM_001172767.2, NM_148898.4); c.-867_-856ACAACAGCAGCA[1] (NM_001172777.1); c.534ACAACAGCAGCA[1], p.Gln205_Gln208del (NM_148900.4).
Identifiers: ClinVar variation 1744328 (VCV001744328.4), dbSNP rs761316361, ClinGen allele CA4445818.

ClinVar aggregate classification (germline): Likely benign. Review status: criteria provided, multiple submitters, no conflicts (2 of 4 stars). 2 submissions from 2 submitters: Likely benign (2). Last evaluated 2026-04-01.

Conditions:
Inborn genetic diseases. Identifiers: MedGen C0950123, MeSH D030342.

Submissions (2):

CeGaT Center for Human Genetics Tuebingen
Classification: Likely benign. Last evaluated: 2026-04-01. Review status: criteria provided, single submitter. Criteria: CeGaT Center For Human Genetics Tuebingen Variant Classification Criteria Version 2. Collection method: clinical testing. Allele origin: germline. Affected: yes. Observed: 1 variant allele.
Comment: FOXP2: BS2

Ambry Genetics
Classification: Likely benign for Inborn genetic diseases. Last evaluated: 2018-09-10. Review status: criteria provided, single submitter. Criteria: Ambry Variant Classification Scheme 2023. Collection method: clinical testing. Allele origin: germline.